The following is an entry in ClinVar:

NM_015474.4(SAMHD1):c.910A>T (p.Lys304Ter)

Gene: SAMHD1 (SAM and HD domain containing deoxynucleoside triphosphate triphosphohydrolase 1; minus strand). Cytogenetic location: 20q11.23.
Variant type: single nucleotide variant.
Coding change: c.910A>T on transcript NM_015474.4 (MANE Select); coding-DNA position 910, A replaced by T.
Protein change: p.Lys304Ter; replaces lysine 304 with a stop codon.
Molecular consequence: nonsense.
Genome position (GRCh38, 1-based): chr20:36,916,992, T>A on the plus strand (A>T on the coding strand, the complement: SAMHD1 is on the minus strand). VCF-style: chr20-36916992-T-A. GRCh37 (hg19) VCF-style: chr20-35545395-T-A.
Other names: c.910A>T, p.Lys304Ter (NM_001363729.2, NM_001363733.2); short protein forms K304*.
Identifiers: ClinVar variation 2770967 (VCV002770967.3), dbSNP rs772935302, ClinGen allele CA408845568.
Genomic context (GRCh38, chr20:36,916,992, plus strand): 5'-AAGTGTTCAGTGCATACCTGGCAAAATAATCCCATTTGTCCACATCAATGCCATTTCTTT[T>A]ATTAGATACTATCTCATAAAGGAAGCTTTTGTTTTCAGGACGCCCTTTATATGGCCACTG-3'

ClinVar aggregate classification (germline): Pathogenic (1 of 4 stars; one submission).

Conditions:
Aicardi-Goutieres syndrome 5. Identifiers: Orphanet 51, MedGen C2749659, MONDO:0013059, OMIM 612952.

Submission:

Labcorp Genetics (formerly Invitae), Labcorp
Classification: Pathogenic for Aicardi-Goutieres syndrome 5. Last evaluated: 2023-06-05. Review status: criteria provided, single submitter. Criteria: Invitae Variant Classification Sherloc (09022015). Collection method: clinical testing. Allele origin: germline.
Comment: This variant is not present in population databases (gnomAD no frequency). This sequence change creates a premature translational stop signal (p.Lys304*) in the SAMHD1 gene. It is expected to result in an absent or disrupted protein product. Loss-of-function variants in SAMHD1 are known to be pathogenic (PMID: 19525956, 22461318). This variant has not been reported in the literature in individuals affected with SAMHD1-related conditions. For these reasons, this variant has been classified as Pathogenic. Algorithms developed to predict the effect of sequence changes on RNA splicing suggest that this variant may disrupt the consensus splice site.

Literature cited by the submitters: PubMed 19525956; PubMed 22461318.